The following is an entry in ClinVar:

NM_001199107.2(TBC1D24):c.380A>G (p.Asp127Gly)

Gene: TBC1D24 (TBC1 domain family member 24; plus strand). Cytogenetic location: 16p13.3.
Variant type: single nucleotide variant.
Coding change: c.380A>G on transcript NM_001199107.2 (MANE Select); coding-DNA position 380, A replaced by G.
Protein change: p.Asp127Gly; replaces aspartic acid 127 with glycine.
Molecular consequence: missense variant.
Genome position (GRCh38, 1-based): chr16:2,496,528, A>G. VCF-style: chr16-2496528-A-G. GRCh37 (hg19) VCF-style: chr16-2546529-A-G.
Other names: c.380A>G, p.Asp127Gly (NM_020705.3); short protein forms D127G.
Identifiers: ClinVar variation 2011047 (VCV002011047.5), dbSNP rs2065741222, ClinGen allele CA394375744.

ClinVar aggregate classification (germline): Uncertain significance. Review status: criteria provided, multiple submitters, no conflicts (2 of 4 stars). 2 submissions from 2 submitters: Uncertain significance (2). Last evaluated 2024-07-08.

Conditions:
Autosomal dominant nonsyndromic hearing loss 65. Also called: TBC1D24-Related Autosomal Dominant Nonsyndromic Hearing Loss (DFNA); Deafness, autosomal dominant 65. Identifiers: Orphanet 90635, MedGen C3892048, MONDO:0014470, OMIM 616044.
Developmental and epileptic encephalopathy, 1 (DEE1). Also called: INFANTILE SPASM SYNDROME, X-LINKED 1; X-linked infantile spasms; West's syndrome; Tonic spasms with clustering, arrest of psychomotor development and hypsarrhythmia on EEG; X-Linked Infantile Spasm Syndrome; OHTAHARA SYNDROME, X-LINKED. Identifiers: MedGen C3463992, MONDO:0010632, OMIM 308350. Disease mechanism: loss of function.

Allele frequency attached by ClinVar (database versions not stated): TOPMed below 0.00001.

Submissions (2):

Labcorp Genetics (formerly Invitae), Labcorp
Classification: Uncertain significance for Developmental and epileptic encephalopathy, 1; Autosomal dominant nonsyndromic hearing loss 65. Last evaluated: 2024-07-08. Review status: criteria provided, single submitter. Criteria: Invitae Variant Classification Sherloc (09022015). Collection method: clinical testing. Allele origin: germline.
Comment: This sequence change replaces aspartic acid, which is acidic and polar, with glycine, which is neutral and non-polar, at codon 127 of the TBC1D24 protein (p.Asp127Gly). This variant is not present in population databases (gnomAD no frequency). This variant has not been reported in the literature in individuals affected with TBC1D24-related conditions. ClinVar contains an entry for this variant (Variation ID: 2011047). Advanced modeling of protein sequence and biophysical properties (such as structural, functional, and spatial information, amino acid conservation, physicochemical variation, residue mobility, and thermodynamic stability) has been performed at Invitae for this missense variant, however the output from this modeling did not meet the statistical confidence thresholds required to predict the impact of this variant on TBC1D24 protein function. In summary, the available evidence is currently insufficient to determine the role of this variant in disease. Therefore, it has been classified as a Variant of Uncertain Significance.

Blueprint Genetics
Classification: Uncertain significance. Last evaluated: 2021-11-30. Review status: criteria provided, single submitter. Criteria: ACMG Guidelines, 2015. Collection method: clinical testing. Allele origin: germline.